The following is an entry in ClinVar:

NM_002875.5(RAD51):c.365T>C (p.Ile122Thr)

Gene: RAD51 (RAD51 recombinase; plus strand). Cytogenetic location: 15q15.1.
Variant type: single nucleotide variant.
Coding change: c.365T>C on transcript NM_002875.5 (MANE Select); coding-DNA position 365, T replaced by C.
Protein change: p.Ile122Thr; replaces isoleucine 122 with threonine.
Molecular consequence: missense variant.
Genome position (GRCh38, 1-based): chr15:40,709,046, T>C. VCF-style: chr15-40709046-T-C. GRCh37 (hg19) VCF-style: chr15-41001244-T-C.
Other names: c.368T>C, p.Ile123Thr (NM_001164269.2, NM_133487.4); c.365T>C, p.Ile122Thr (NM_001164270.2); short protein forms I122T, I123T.
Identifiers: ClinVar variation 1733673 (VCV001733673.3), dbSNP rs2504450688, ClinGen allele CA391751100.

ClinVar aggregate classification (germline): Uncertain significance (1 of 4 stars; one submission).

Conditions:
Inborn genetic diseases. Identifiers: MedGen C0950123, MeSH D030342.

Submission:

Ambry Genetics
Classification: Uncertain significance for Inborn genetic diseases. Last evaluated: 2024-10-31. Review status: criteria provided, single submitter. Criteria: Ambry Variant Classification Scheme 2023. Collection method: clinical testing. Allele origin: germline.
Comment: The p.I122T variant (also known as c.365T>C), located in coding exon 4 of the RAD51 gene, results from a T to C substitution at nucleotide position 365. The isoleucine at codon 122 is replaced by threonine, an amino acid with similar properties. This amino acid position is conserved. In addition, this alteration is predicted to be deleterious by in silico analysis. Since supporting evidence is limited at this time, the clinical significance of this alteration remains unclear.